The following is an entry in ClinVar:

NM_024306.5(FA2H):c.537G>A (p.Leu179=)

Gene: FA2H (fatty acid 2-hydroxylase; minus strand). Cytogenetic location: 16q23.1.
Variant type: single nucleotide variant.
Coding change: c.537G>A on transcript NM_024306.5 (MANE Select); coding-DNA position 537, G replaced by A.
Protein change: p.Leu179=; no amino-acid change (leucine 179 retained).
Molecular consequence: synonymous variant.
Genome position (GRCh38, 1-based): chr16:74,726,301, C>T on the plus strand (G>A on the coding strand, the complement: FA2H is on the minus strand). VCF-style: chr16-74726301-C-T. GRCh37 (hg19) VCF-style: chr16-74760199-C-T.
Identifiers: ClinVar variation 320498 (VCV000320498.25), dbSNP rs75711361, ClinGen allele CA8170491.

ClinVar aggregate classification (germline): Benign/Likely benign. Review status: criteria provided, multiple submitters, no conflicts (2 of 4 stars). 7 submissions from 7 submitters: Benign (4); Likely benign (1). 2 of the submissions do not count toward it. Last evaluated 2026-02-01.

Conditions:
Spastic paraplegia. Identifiers: MedGen C0037772, HP:0001258.
Hereditary spastic paraplegia. Also called: Familial spastic paraparesis. Identifiers: Orphanet 685, MedGen C0037773, MONDO:0019064. Disease mechanism: loss of function.
Hereditary spastic paraplegia 35. Also called: Spastic paraplegia 35; SPASTIC PARAPLEGIA 35, AUTOSOMAL RECESSIVE, WITH OR WITHOUT NEURODEGENERATION; LEUKODYSTROPHY, DYSMYELINATING, AND SPASTIC PARAPARESIS WITH OR WITHOUT DYSTONIA; Spastic paraplegia 35, autosomal recessive. Identifiers: Orphanet 171629, MedGen C3496228, MONDO:0012866, OMIM 612319.

Allele frequency attached by ClinVar (database versions not stated): gnomAD 0.00068 and 0.00103; gnomAD exomes 0.00082 and 0.00233; TOPMed 0.00156; ExAC 0.00226; 1000 Genomes Project 30x 0.00562; 1000 Genomes Project 0.00619.
gnomAD v4.1: 1,368 of 1,613,956 alleles (0.085%); highest among the groups gnomAD compares: East Asian, 2.8%; 27 homozygotes.

Submissions (7):

Labcorp Genetics (formerly Invitae), Labcorp
Classification: Benign for Spastic paraplegia. Last evaluated: 2026-02-01. Review status: criteria provided, single submitter. Criteria: Invitae Variant Classification Sherloc (09022015). Collection method: clinical testing. Allele origin: germline.

Genome Diagnostics Laboratory, The Hospital for Sick Children
Classification: Benign for Hereditary spastic paraplegia. Last evaluated: 2021-06-13. Review status: criteria provided, single submitter. Criteria: ACMG Guidelines, 2015. Collection method: clinical testing. Allele origin: germline. Affected: yes.

GeneDx
Classification: Likely benign. Last evaluated: 2021-02-09. Review status: criteria provided, single submitter. Criteria: GeneDx Variant Classification Process June 2021. Collection method: clinical testing. Allele origin: germline. Affected: yes.

Athena Diagnostics
Classification: Benign. Last evaluated: 2018-06-29. Review status: criteria provided, single submitter. Criteria: Athena Diagnostics Criteria. Collection method: clinical testing. Allele origin: germline.

Illumina Laboratory Services, Illumina
Classification: Benign for Hereditary spastic paraplegia 35. Last evaluated: 2018-01-12. Review status: criteria provided, single submitter. Criteria: ICSL Variant Classification Criteria 13 December 2019. Collection method: clinical testing. Allele origin: germline.
Comment: This variant was observed in the ICSL laboratory as part of a predisposition screen in an ostensibly healthy population. It had not been previously curated by ICSL or reported in the Human Gene Mutation Database (HGMD: prior to June 1st, 2018), and was therefore a candidate for classification through an automated scoring system. Utilizing variant allele frequency, disease prevalence and penetrance estimates, and inheritance mode, an automated score was calculated to assess if this variant is too frequent to cause the disease. Based on the score and internal cut-off values, a variant classified as benign is not then subjected to further curation. The score for this variant resulted in a classification of benign for this disease.

Clinical Genetics DNA and cytogenetics Diagnostics Lab, Erasmus MC, Erasmus Medical Center
Classification: Benign. Review status: no assertion criteria provided. Collection method: clinical testing. Allele origin: germline. Affected: yes. Study: VKGL Data-share Consensus. Not counted in ClinVar's aggregate classification.

Diagnostic Laboratory, Department of Genetics, University Medical Center Groningen
Classification: Likely benign. Review status: no assertion criteria provided. Collection method: clinical testing. Allele origin: germline. Affected: yes. Study: VKGL Data-share Consensus. Not counted in ClinVar's aggregate classification.